The following is an entry in ClinVar:

NM_000844.4(GRM7):c.417C>T (p.Gly139=)

Gene: GRM7 (glutamate metabotropic receptor 7; plus strand). Cytogenetic location: 3p26.1.
Variant type: single nucleotide variant.
Coding change: c.417C>T on transcript NM_000844.4 (MANE Select); coding-DNA position 417, C replaced by T.
Protein change: p.Gly139=; no amino-acid change (glycine 139 retained).
Molecular consequence: synonymous variant.
Genome position (GRCh38, 1-based): chr3:6,861,805, C>T. VCF-style: chr3-6861805-C-T. GRCh37 (hg19) VCF-style: chr3-6903492-C-T.
Other names: c.417C>T, p.Gly139= (NM_181874.3).
Identifiers: ClinVar variation 4534807 (VCV004534807.6).

ClinVar aggregate classification (germline): Likely benign (1 of 4 stars; one submission).

gnomAD v4.1: 1 of 1,614,180 alleles (0.000062%); highest among the groups gnomAD compares: Non-Finnish European, 0.000085%; no homozygotes.

Submission:

CeGaT Center for Human Genetics Tuebingen
Classification: Likely benign. Last evaluated: 2026-03-01. Review status: criteria provided, single submitter. Criteria: CeGaT Center For Human Genetics Tuebingen Variant Classification Criteria Version 2. Collection method: clinical testing. Allele origin: germline. Affected: yes. Observed: 1 variant allele.
Comment: GRM7: BP4, BP7